The following is an entry in ClinVar:

NM_004380.3(CREBBP):c.4656C>T (p.Ser1552=)

Gene: CREBBP (CREB binding lysine acetyltransferase; minus strand). Cytogenetic location: 16p13.3.
Variant type: single nucleotide variant.
Coding change: c.4656C>T on transcript NM_004380.3 (MANE Select); coding-DNA position 4656, C replaced by T.
Protein change: p.Ser1552=; no amino-acid change (serine 1552 retained).
Molecular consequence: synonymous variant.
Genome position (GRCh38, 1-based): chr16:3,736,108, G>A on the plus strand (C>T on the coding strand, the complement: CREBBP is on the minus strand). VCF-style: chr16-3736108-G-A. GRCh37 (hg19) VCF-style: chr16-3786109-G-A.
Other names: c.4542C>T, p.Ser1514= (NM_001079846.1).
Identifiers: ClinVar variation 3353802 (VCV003353802.3).

ClinVar aggregate classification (germline): Likely benign. Review status: criteria provided, single submitter (1 of 4 stars). 2 submissions from 2 submitters: Likely benign (1). 1 of the submissions does not count toward it. Last evaluated 2024-07-03.

Conditions:
CREBBP-related disorder. Also called: CREBBP-related condition; CREBBP-related disorders.
Rubinstein-Taybi syndrome (RSTS). Identifiers: Orphanet 783, MedGen C0035934, MONDO:0019188.

gnomAD v4.1: 8 of 1,614,030 alleles (0.0005%); highest among the groups gnomAD compares: African/African-American, 0.008%; no homozygotes.

Submissions (2):

Labcorp Genetics (formerly Invitae), Labcorp
Classification: Likely benign for Rubinstein-Taybi syndrome. Last evaluated: 2024-07-03. Review status: criteria provided, single submitter. Criteria: Invitae Variant Classification Sherloc (09022015). Collection method: clinical testing. Allele origin: germline.

PreventionGenetics, part of Exact Sciences
Classification: Likely benign for CREBBP-related condition. Last evaluated: 2024-08-27. Review status: no assertion criteria provided. Collection method: clinical testing. Allele origin: germline. Not counted in ClinVar's aggregate classification.
Comment: This variant is classified as likely benign based on ACMG/AMP sequence variant interpretation guidelines (Richards et al. 2015 PMID: 25741868, with internal and published modifications).